The following is an entry in ClinVar:

ClinVar aggregate classification (germline): Likely benign (0 of 4 stars; one submission).

Conditions:
AGRN-related disorder. Also called: AGRN-related condition.

Submission:

PreventionGenetics, part of Exact Sciences
Classification: Likely benign for AGRN-related condition. Last evaluated: 2024-08-14. Review status: no assertion criteria provided. Collection method: clinical testing. Allele origin: germline.
Comment: This variant is classified as likely benign based on ACMG/AMP sequence variant interpretation guidelines (Richards et al. 2015 PMID: 25741868, with internal and published modifications).

NM_198576.4(AGRN):c.5813C>T (p.Pro1938Leu)

Gene: AGRN (agrin; plus strand). Cytogenetic location: 1p36.33.
Variant type: single nucleotide variant.
Coding change: c.5813C>T on transcript NM_198576.4 (MANE Select); coding-DNA position 5813, C replaced by T.
Protein change: p.Pro1938Leu; replaces proline 1938 with leucine.
Molecular consequence: missense variant.
Genome position (GRCh38, 1-based): chr1:1,053,914, C>T. VCF-style: chr1-1053914-C-T. GRCh37 (hg19) VCF-style: chr1-989294-C-T.
Other names: c.5882C>T, p.Pro1961Leu (NM_001305275.2); c.5510C>T, p.Pro1837Leu (NM_001364727.2); short protein forms P1837L, P1938L, P1961L.
Identifiers: ClinVar variation 3355462 (VCV003355462.1).